The following is an entry in ClinVar:

ClinVar aggregate classification (germline): Likely benign (1 of 4 stars; one submission).

gnomAD v4.1: 70 of 1,613,916 alleles (0.0043%); highest among the groups gnomAD compares: South Asian, 0.065%; no homozygotes.

Submission:

CeGaT Center for Human Genetics Tuebingen
Classification: Likely benign. Last evaluated: 2025-08-01. Review status: criteria provided, single submitter. Criteria: CeGaT Center For Human Genetics Tuebingen Variant Classification Criteria Version 2. Collection method: clinical testing. Allele origin: germline. Affected: yes. Observed: 1 variant allele.
Comment: ASH1L: BP4, BP7

NM_018489.3(ASH1L):c.5583C>T (p.Val1861=)

Gene: ASH1L (ASH1 like histone lysine methyltransferase; minus strand). Cytogenetic location: 1q22.
Variant type: single nucleotide variant.
Coding change: c.5583C>T on transcript NM_018489.3 (MANE Select); coding-DNA position 5583, C replaced by T.
Protein change: p.Val1861=; no amino-acid change (valine 1861 retained).
Molecular consequence: synonymous variant.
Genome position (GRCh38, 1-based): chr1:155,438,572, G>A on the plus strand (C>T on the coding strand, the complement: ASH1L is on the minus strand). VCF-style: chr1-155438572-G-A. GRCh37 (hg19) VCF-style: chr1-155408363-G-A.
Other names: c.5583C>T, p.Val1861= (NM_001366177.2).
Identifiers: ClinVar variation 4083815 (VCV004083815.8).
Genomic context (GRCh38, chr1:155,438,572, plus strand): 5'-CTCGTCTCTGTTCAATTCTGGGTTGACAAACTGAGCAGCCTGGAATGCTTGCATTGATAC[G>A]ACAGCCTGAAGGGGACATTTCCGAGGTCGACCTGGCCTACGTTTCACAAAGTTATTCCCT-3'
Protein context (NP_060959.2, residues 1851-1871): GRPRKCPLQA[Val1861=]VSMQAFQAAQ